The following is an entry in ClinVar:

NM_004958.4(MTOR):c.7249G>A (p.Val2417Met)

Gene: MTOR (mechanistic target of rapamycin kinase; minus strand). Cytogenetic location: 1p36.22.
Variant type: single nucleotide variant.
Coding change: c.7249G>A on transcript NM_004958.4 (MANE Select); coding-DNA position 7249, G replaced by A.
Protein change: p.Val2417Met; replaces valine 2417 with methionine.
Molecular consequence: missense variant.
Genome position (GRCh38, 1-based): chr1:11,114,369, C>T on the plus strand (G>A on the coding strand, the complement: MTOR is on the minus strand). VCF-style: chr1-11114369-C-T. GRCh37 (hg19) VCF-style: chr1-11174426-C-T.
Other names: c.7249G>A, p.Val2417Met (NM_001386500.1); c.6001G>A, p.Val2001Met (NM_001386501.1); short protein forms V2417M, V2001M.
Identifiers: ClinVar variation 1419129 (VCV001419129.8), dbSNP rs1390645065, ClinGen allele CA338380914.
Genomic context (GRCh38, chr1:11,114,369, plus strand): 5'-GATACTCACTGTCCATCAGCCTCCAGTTCAGCAAGGGGTCATAGACAAAGGCTTCCAGCA[C>T]GGCCATGACACTGTCCTTGTGCTCTCGCAGCACCTCCATCACTGTGTGGCATGTGATTCT-3'
Protein context (NP_004949.1, residues 2407-2427): LREHKDSVMA[Val2417Met]LEAFVYDPLL

ClinVar aggregate classification (germline): Uncertain significance (1 of 4 stars; one submission).

Allele frequency attached by ClinVar (database versions not stated): gnomAD exomes below 0.00001 and 0.00001; gnomAD 0.00001.
gnomAD v4.1: 5 of 1,614,054 alleles (0.00031%); highest among the groups gnomAD compares: South Asian, 0.0011%; no homozygotes.

Submission:

Labcorp Genetics (formerly Invitae), Labcorp
Classification: Uncertain significance. Last evaluated: 2024-09-16. Review status: criteria provided, single submitter. Criteria: Invitae Variant Classification Sherloc (09022015). Collection method: clinical testing. Allele origin: germline.
Comment: This sequence change replaces valine, which is neutral and non-polar, with methionine, which is neutral and non-polar, at codon 2417 of the MTOR protein (p.Val2417Met). This variant is present in population databases (no rsID available, gnomAD 0.006%). This missense change has been observed in individual(s) with clinical features of Smith-Kingsmore syndrome (PMID: 31780880). ClinVar contains an entry for this variant (Variation ID: 1419129). Invitae Evidence Modeling of protein sequence and biophysical properties (such as structural, functional, and spatial information, amino acid conservation, physicochemical variation, residue mobility, and thermodynamic stability) indicates that this missense variant is not expected to disrupt MTOR protein function with a negative predictive value of 95%. In summary, the available evidence is currently insufficient to determine the role of this variant in disease. Therefore, it has been classified as a Variant of Uncertain Significance.

Literature cited by the submitters: PubMed 31780880.